The following is an entry in ClinVar:

ClinVar aggregate classification (germline): Pathogenic (1 of 4 stars; one submission).

Conditions:
Duchenne muscular dystrophy (DMD). Also called: MUSCULAR DYSTROPHY, PSEUDOHYPERTROPHIC PROGRESSIVE, DUCHENNE TYPE; Duchenne Muscular Dystrophy (DMD). Identifiers: Orphanet 98896, MedGen C0013264, MONDO:0010679, OMIM 310200.

Submission:

Labcorp Genetics (formerly Invitae), Labcorp
Classification: Pathogenic for Duchenne muscular dystrophy. Last evaluated: 2023-03-10. Review status: criteria provided, single submitter. Criteria: Invitae Variant Classification Sherloc (09022015). Collection method: clinical testing. Allele origin: germline.
Comment: For these reasons, this variant has been classified as Pathogenic. This variant has not been reported in the literature in individuals affected with DMD-related conditions. This variant is not present in population databases (gnomAD no frequency). This sequence change creates a premature translational stop signal (p.Leu2309*) in the DMD gene. It is expected to result in an absent or disrupted protein product. Loss-of-function variants in DMD are known to be pathogenic (PMID: 16770791, 25007885).

Literature cited by the submitters: PubMed 16770791; PubMed 25007885.

NM_004006.3(DMD):c.6924_6928del (p.Ala2308_Leu2309insTer)

Gene: DMD (dystrophin; minus strand). Cytogenetic location: Xp21.1.
Variant type: Deletion.
Coding change: c.6924_6928del on transcript NM_004006.3 (MANE Select); coding-DNA positions 6924 to 6928, 5 bases deleted (TTTAC; older notation c.6924_6928delTTTAC).
Protein change: p.Ala2308_Leu2309insTer.
Molecular consequence: frameshift variant. On other transcripts: 5 prime UTR variant (5).
Genome position (GRCh38, 1-based): chrX:31,875,358-31,875,362, GTAAA deleted on the plus strand (TTTAC on the coding strand, the reverse complement: DMD is on the minus strand); deleting any 5 consecutive bases within chrX:31,875,358-31,875,363 gives the same sequence; the c. name uses the placement nearest the transcript's 3' end. VCF-style (leftmost placement, unchanged base first): chrX-31875357-GGTAAA-G. GRCh37 (hg19) VCF-style: chrX-31893474-GGTAAA-G.
Other names: c.6900_6904del, p.Ala2300_Leu2301insTer (NM_000109.4); c.6912_6916del, p.Ala2304_Leu2305insTer (NM_004009.3); c.6555_6559del, p.Ala2185_Leu2186insTer (NM_004010.3); c.2901_2905del, p.Ala967_Leu968insTer (NM_004011.4); c.2892_2896del, p.Ala964_Leu965insTer (NM_004012.4); c.-457_-453del (NM_004013.3, NM_004020.4, NM_004021.3 and 2 more transcripts).
Identifiers: ClinVar variation 2815379 (VCV002815379.3), dbSNP rs2532456896, ClinGen allele CA2739265714.